The following is an entry in ClinVar:

ClinVar aggregate classification (germline): Conflicting classifications of pathogenicity. Review status: criteria provided, conflicting classifications (1 of 4 stars). 5 submissions from 5 submitters: Uncertain significance (1); Likely benign (4). Last evaluated 2025-09-15.

Conditions:
Cardiovascular phenotype. Identifiers: MedGen CN230736.
Catecholaminergic polymorphic ventricular tachycardia (CVPT). Also called: Catecholamine-induced polymorphic ventricular tachycardia. Identifiers: Orphanet 3286, MedGen C5574922, MONDO:0017990.
Cardiomyopathy (CMYO). Also called: Cardiomyopathies. Identifiers: Orphanet 167848, MedGen C0878544, MONDO:0004994, HP:0001638. Inheritance: Various modes of inheritance.
Catecholaminergic polymorphic ventricular tachycardia 1. Also called: RYR2-Related Catecholaminergic Polymorphic Ventricular Tachycardia; VENTRICULAR TACHYCARDIA, CATECHOLAMINERGIC POLYMORPHIC, 1, WITH OR WITHOUT ATRIAL DYSFUNCTION AND/OR DILATED CARDIOMYOPATHY; VENTRICULAR TACHYCARDIA, STRESS-INDUCED POLYMORPHIC 1. Identifiers: Orphanet 3286, MedGen C1631597, MONDO:0011484, OMIM 604772.

gnomAD v4.1: 5 of 1,599,872 alleles (0.00031%); highest among the groups gnomAD compares: Admixed American, 0.0033%; no homozygotes.

Submissions (5):

Labcorp Genetics (formerly Invitae), Labcorp
Classification: Likely benign for Catecholaminergic polymorphic ventricular tachycardia 1. Last evaluated: 2025-09-15. Review status: criteria provided, single submitter. Criteria: Invitae Variant Classification Sherloc (09022015). Collection method: clinical testing. Allele origin: germline.

Ambry Genetics
Classification: Uncertain significance for Cardiovascular phenotype. Last evaluated: 2024-12-17. Review status: criteria provided, single submitter. Criteria: Ambry Variant Classification Scheme 2023. Collection method: clinical testing. Allele origin: germline.
Comment: The c.14136C>A variant (also known as p.V4712V), located in coding exon 98 of the RYR2 gene. This variant results from a C to A substitution at nucleotide position 14136. This nucleotide substitution does not change the amino acid at codon 4712. This nucleotide position is poorly conserved in available vertebrate species. In silico splice site analysis for this alteration is inconclusive. Since supporting evidence is limited at this time, the clinical significance of this alteration remains unclear.

All of Us Research Program, National Institutes of Health
Classification: Likely benign for Catecholaminergic polymorphic ventricular tachycardia. Last evaluated: 2023-12-01. Review status: criteria provided, single submitter. Criteria: ACMG Guidelines, 2015. Collection method: clinical testing. Allele origin: germline. Inheritance: Autosomal dominant inheritance. Observed: 4 variant alleles, 4 heterozygotes.
Comment: This study involves interpretation of variants in research participants for the purpose of population health screening. Participant phenotype was not available at the time of variant classification. Additional details can be found in publication PMID: 35346344, PMCID: PMC8962531

Color Diagnostics, LLC DBA Color Health
Classification: Likely benign for Cardiomyopathy. Last evaluated: 2019-01-30. Review status: criteria provided, single submitter. Criteria: ACMG Guidelines, 2015. Collection method: clinical testing. Allele origin: germline.

GeneDx
Classification: Likely benign. Last evaluated: 2016-06-10. Review status: criteria provided, single submitter. Criteria: GeneDx Variant Classification (06012015). Collection method: clinical testing. Allele origin: germline. Affected: yes.
Comment: This variant is considered likely benign or benign based on one or more of the following criteria: it is a conservative change, it occurs at a poorly conserved position in the protein, it is predicted to be benign by multiple in silico algorithms, and/or has population frequency not consistent with disease.

NM_001035.3(RYR2):c.14136C>A (p.Val4712=)

Gene: RYR2 (ryanodine receptor 2; plus strand). Cytogenetic location: 1q43.
Variant type: single nucleotide variant.
Coding change: c.14136C>A on transcript NM_001035.3 (MANE Select); coding-DNA position 14136, C replaced by A.
Protein change: p.Val4712=; no amino-acid change (valine 4712 retained).
Molecular consequence: synonymous variant.
Genome position (GRCh38, 1-based): chr1:237,801,901, C>A. VCF-style: chr1-237801901-C-A. GRCh37 (hg19) VCF-style: chr1-237965201-C-A.
Other names: c.14136C>A, p.Val4712= (LRG_402t1).
Identifiers: ClinVar variation 386814 (VCV000386814.17), dbSNP rs756435572, ClinGen allele CA16603581.
Genomic context (GRCh38, chr1:237,801,901, plus strand): 5'-TTTTTGTCATTGCAGACTGAACTCCATTGATGTGAAGTATCAGATGTGGAAACTAGGAGT[C>A]GTTTTCACTGACAACGTAAGCCTACTTCATTATCACAAAAGAAAATGCACTCTGATTAGA-3'
Protein context (NP_001026.2, residues 4702-4722): DVKYQMWKLG[Val4712=]VFTDNSFLYL